The following is an entry in ClinVar:

ClinVar aggregate classification (germline): Benign (0 of 4 stars; one submission).

Conditions:
ZNF292-related disorder. Also called: ZNF292-related condition.

Allele frequency attached by ClinVar (database versions not stated): TOPMed 0.07378; ESP Exome Variant Server 0.07572; gnomAD 0.07820; 1000 Genomes Project 30x 0.08136; 1000 Genomes Project 0.08446; ExAC 0.09175; gnomAD exomes 0.09642.
gnomAD v4.1: 152,802 of 1,613,834 alleles (9.5%); highest among the groups gnomAD compares: East Asian, 12%; 7,711 homozygotes.

Submission:

PreventionGenetics, part of Exact Sciences
Classification: Benign for ZNF292-related condition. Last evaluated: 2019-11-06. Review status: no assertion criteria provided. Collection method: clinical testing. Allele origin: germline.
Comment: This variant is classified as benign based on ACMG/AMP sequence variant interpretation guidelines (Richards et al. 2015 PMID: 25741868, with internal and published modifications).

NM_015021.3(ZNF292):c.4289A>G (p.Asn1430Ser)

Gene: ZNF292 (zinc finger protein 292; plus strand). Cytogenetic location: 6q14.3.
Variant type: single nucleotide variant.
Coding change: c.4289A>G on transcript NM_015021.3 (MANE Select); coding-DNA position 4289, A replaced by G.
Protein change: p.Asn1430Ser; replaces asparagine 1430 with serine.
Molecular consequence: missense variant.
Genome position (GRCh38, 1-based): chr6:87,257,918, A>G. VCF-style: chr6-87257918-A-G. GRCh37 (hg19) VCF-style: chr6-87967636-A-G.
Other names: c.3869A>G, p.Asn1290Ser (NM_001351444.2); short protein forms N1290S, N1430S.
Identifiers: ClinVar variation 3059055 (VCV003059055.2), dbSNP rs6941356, ClinGen allele CA3914275.